The following is an entry in ClinVar:

ClinVar aggregate classification (germline): Pathogenic (1 of 4 stars; one submission).

Submission:

Labcorp Genetics (formerly Invitae), Labcorp
Classification: Pathogenic. Last evaluated: 2024-03-11. Review status: criteria provided, single submitter. Criteria: Invitae Variant Classification Sherloc (09022015). Collection method: clinical testing. Allele origin: germline.
Comment: This sequence change creates a premature translational stop signal (p.Cys1288Leufs*45) in the COL18A1 gene. While this is not anticipated to result in nonsense mediated decay, it is expected to disrupt the last 49 amino acid(s) of the COL18A1 protein. This variant is not present in population databases (gnomAD no frequency). This premature translational stop signal has been observed in individual(s) with clinical features of Knobloch syndrome (Invitae). In at least one individual the variant was observed to be de novo. Experimental studies and prediction algorithms are not available or were not evaluated, and the functional significance of this variant is currently unknown. For these reasons, this variant has been classified as Pathogenic.

NM_001379500.1(COL18A1):c.3872del (p.Cys1291fs)

Genes: SLC19A1 (solute carrier family 19 member 1; minus strand), COL18A1 (collagen type XVIII alpha 1 chain; plus strand). Cytogenetic location: 21q22.3.
Variant type: Deletion.
Coding change: c.3872del on transcript NM_001379500.1 (MANE Select); coding-DNA position 3872, one base deleted (G; older notation c.3872delG).
Protein change: p.Cys1291fs; shifts the reading frame from cysteine 1291.
Molecular consequence: frameshift variant.
Genome position (GRCh38, 1-based): chr21:45,512,250, G deleted. VCF-style (leftmost placement, unchanged base first): chr21-45512249-TG-T. GRCh37 (hg19) VCF-style: chr21-46932163-TG-T.
Other names: c.4403del, p.Cys1468fs (NM_030582.4); c.5108del, p.Cys1703fs (NM_130444.3); short protein forms C1468fs, C1703fs, C1291fs.
Identifiers: ClinVar variation 3672060 (VCV003672060.2).